The following is an entry in ClinVar:

ClinVar aggregate classification (germline): Uncertain significance (1 of 4 stars; one submission).

Submission:

Ambry Genetics
Classification: Uncertain significance. Last evaluated: 2025-02-09. Review status: criteria provided, single submitter. Criteria: Ambry Variant Classification Scheme 2023. Collection method: clinical testing. Allele origin: germline.
Comment: The p.Y197H variant (also known as c.589T>C), located in coding exon 7 of the NEBL gene, results from a T to C substitution at nucleotide position 589. The tyrosine at codon 197 is replaced by histidine, an amino acid with similar properties. This amino acid position is conserved. In addition, this alteration is predicted to be deleterious by in silico analysis. Based on the available evidence, the clinical significance of this variant remains unclear.

NM_006393.3(NEBL):c.589T>C (p.Tyr197His)

Gene: NEBL (nebulette; minus strand). Cytogenetic location: 10p12.31.
Variant type: single nucleotide variant.
Coding change: c.589T>C on transcript NM_006393.3 (MANE Select); coding-DNA position 589, T replaced by C.
Protein change: p.Tyr197His; replaces tyrosine 197 with histidine.
Molecular consequence: missense variant. On other transcripts: intron variant (9).
Genome position (GRCh38, 1-based): chr10:20,868,759, A>G on the plus strand (T>C on the coding strand, the complement: NEBL is on the minus strand). VCF-style: chr10-20868759-A-G. GRCh37 (hg19) VCF-style: chr10-21157688-A-G.
Other names: c.250-55819T>C (NM_001377326.1, NM_001377327.1, NM_001377328.1); c.358-55819T>C (NM_213569.2, NM_001173484.2, NM_001377322.1); c.301-55819T>C (NM_001377324.1); c.292-55819T>C (NM_001377325.1); c.310-55819T>C (NM_001377323.1); short protein forms Y197H.
Identifiers: ClinVar variation 3878624 (VCV003878624.1).